The following is an entry in ClinVar:

ClinVar aggregate classification (germline): Uncertain significance (0 of 4 stars; one submission).

Conditions:
John Milton Hagen blood group system (JMH). Also called: JMH BLOOD GROUP SYSTEM; JOHN MILTON HAGEN BLOOD GROUP SYSTEM, JMH-VARIANT PHENOTYPE. Identifiers: MedGen C3553633, OMIM 614745.

Allele frequency attached by ClinVar (database versions not stated): ExAC 0.00001; gnomAD exomes below 0.00001; ESP Exome Variant Server 0.00008; TOPMed below 0.00001.

Submission:

Genetics Department, Polish Mother's Memorial Hospital Research Institute
Classification: Uncertain significance for John Milton Hagen blood group system. Last evaluated: 2019-06-11. Review status: no assertion criteria provided. Collection method: research. Allele origin: maternal. Affected: yes.
Comment: variant was observed with the other variant in CHD7 gene (ClinVar:RCV000634441.1), both observed in heterozygote status and in digenic pattern of inheritance for idiopatic hypogonadotropic hypogonadism/Kallmann syndrome

NM_003612.5(SEMA7A):c.618_619del (p.Ile206fs)

Gene: SEMA7A (semaphorin 7A (JohnMiltonHagen blood group); minus strand). Cytogenetic location: 15q24.1.
Variant type: Deletion.
Coding change: c.618_619del on transcript NM_003612.5 (MANE Select); coding-DNA positions 618 to 619, 2 bases deleted (CC; older notation c.618_619delCC).
Protein change: p.Ile206fs; shifts the reading frame from isoleucine 206.
Molecular consequence: frameshift variant.
Genome position (GRCh38, 1-based): chr15:74,417,377-74,417,378, GG deleted on the plus strand (CC on the coding strand, the reverse complement: SEMA7A is on the minus strand). VCF-style (leftmost placement, unchanged base first): chr15-74417376-CGG-C. GRCh37 (hg19) VCF-style: chr15-74709717-CGG-C.
Other names: c.576_577del, p.Ile192fs (NM_001146029.3); c.123_124del, p.Ile41fs (NM_001146030.3); short protein forms I192fs, I206fs, I41fs.
Identifiers: ClinVar variation 638185 (VCV000638185.3), dbSNP rs761366929, ClinGen allele CA7657181.
Genomic context (GRCh38, chr15:74,417,376, plus strand): 5'-CAGCCGGAGCCTGACTCACTCTGCATGACAGTATCACTGGTGTACAGCTCACTCTCGCCC[CGG>C]ATGCGGCGGAACCGAGGGATCTTCCCATTGTATTCCTGCTTCCGGATGGTGGAATACACC-3'